The following is an entry in ClinVar:

ClinVar aggregate classification (germline): Conflicting classifications of pathogenicity. Review status: criteria provided, conflicting classifications (1 of 4 stars). 2 submissions from 2 submitters: Uncertain significance (1); Likely benign (1). Last evaluated 2024-10-11.

Conditions:
CREBBP-related disorder. Also called: CREBBP-related condition; CREBBP-related disorders.
Rubinstein-Taybi syndrome (RSTS). Identifiers: Orphanet 783, MedGen C0035934, MONDO:0019188.

Allele frequency attached by ClinVar (database versions not stated): gnomAD exomes below 0.00001.
gnomAD v4.1: 1 of 1,606,242 alleles (0.000062%); highest among the groups gnomAD compares: Admixed American, 0.0017%; no homozygotes.

Submissions (2):

PreventionGenetics, part of Exact Sciences
Classification: Uncertain significance for CREBBP-related condition. Last evaluated: 2024-10-11. Review status: criteria provided, single submitter. Criteria: ACMG Guidelines, 2015. Collection method: clinical testing. Allele origin: germline.
Comment: The CREBBP c.6130G>A variant is predicted to result in the amino acid substitution p.Ala2044Thr. To our knowledge, this variant has not been reported in the literature. This variant is reported in 0.0059% of alleles in individuals of Latino descent in gnomAD. At this time, the clinical significance of this variant is uncertain due to the absence of conclusive functional and genetic evidence.

Labcorp Genetics (formerly Invitae), Labcorp
Classification: Likely benign for Rubinstein-Taybi syndrome. Last evaluated: 2023-11-24. Review status: criteria provided, single submitter. Criteria: Invitae Variant Classification Sherloc (09022015). Collection method: clinical testing. Allele origin: germline.

NM_004380.3(CREBBP):c.6130G>A (p.Ala2044Thr)

Gene: CREBBP (CREB binding lysine acetyltransferase; minus strand). Cytogenetic location: 16p13.3.
Variant type: single nucleotide variant.
Coding change: c.6130G>A on transcript NM_004380.3 (MANE Select); coding-DNA position 6130, G replaced by A.
Protein change: p.Ala2044Thr; replaces alanine 2044 with threonine.
Molecular consequence: missense variant.
Genome position (GRCh38, 1-based): chr16:3,728,917, C>T on the plus strand (G>A on the coding strand, the complement: CREBBP is on the minus strand). VCF-style: chr16-3728917-C-T. GRCh37 (hg19) VCF-style: chr16-3778918-C-T.
Other names: c.6016G>A, p.Ala2006Thr (NM_001079846.1); c.6130G>A (NM_004380.2); short protein forms A2044T, A2006T.
Identifiers: ClinVar variation 2182002 (VCV002182002.5), dbSNP rs1333516070, ClinGen allele CA394554139.